The following is an entry in ClinVar:

ClinVar aggregate classification (germline): Pathogenic/Likely pathogenic. Review status: criteria provided, multiple submitters, no conflicts (2 of 4 stars). 3 submissions from 3 submitters: Pathogenic (1); Likely pathogenic (2). Last evaluated 2024-03-06.

Conditions:
Congenital hyperammonemia, type I. Also called: Carbamoyl-phosphate synthase I deficiency; Carbamoyl phosphate synthetase I deficiency disease; CPS I DEFICIENCY; Carbamoyl phosphate synthetase 1 deficiency; Hyperammonemia due to carbamoyl phosphate synthetase 1 deficiency; CPS 1 deficiency. Identifiers: Orphanet 147, MedGen C4082171, MONDO:0009376, OMIM 237300.
Pulmonary hypertension, neonatal, susceptibility to (PHN). Identifiers: MedGen C3714958, MONDO:0014151, OMIM 615371.

Submissions (3):

Baylor Genetics
Classification: Pathogenic for Pulmonary hypertension, neonatal, susceptibility to. Last evaluated: 2024-03-06. Review status: criteria provided, single submitter. Criteria: ACMG Guidelines, 2015. Collection method: clinical testing. Allele origin: unknown.

Fulgent Genetics
Classification: Likely pathogenic for Congenital hyperammonemia, type I; Pulmonary hypertension, neonatal, susceptibility to. Last evaluated: 2024-03-06. Review status: criteria provided, single submitter. Criteria: ACMG Guidelines, 2015. Collection method: clinical testing. Allele origin: germline.

Women's Health and Genetics/Laboratory Corporation of America, LabCorp
Classification: Likely pathogenic for Carbamoyl-phosphate synthetase 1 deficiency. Last evaluated: 2019-11-18. Review status: criteria provided, single submitter. Criteria: LabCorp Variant Classification Summary - May 2015. Collection method: clinical testing. Allele origin: germline.
Comment: Variant summary: CPS1 c.2283_2287delinsA (p.Cys761X) results in a premature termination codon, predicted to cause a truncation of the encoded protein or absence of the protein due to nonsense mediated decay, which are commonly known mechanisms for disease. Truncations downstream of this position have been classified as pathogenic by our laboratory. The variant was absent in 250838 control chromosomes. c.2283_2287delinsA has been reported in the literature in at least one individual affected with Carbamoylphosphate Synthetase I Deficiency (Haberle_2011). To our knowledge, no experimental evidence demonstrating an impact on protein function has been reported. No clinical diagnostic laboratories have submitted clinical-significance assessments for this variant to ClinVar after 2014. Based on the evidence outlined above, the variant was classified as likely pathogenic.

Literature cited by the submitters: PubMed 21120950 (cited by Women's Health and Genetics/Laboratory Corporation of America, LabCorp).

NM_001875.5(CPS1):c.2283_2287delinsA (p.Cys761_Glu763delinsTer)

Gene: CPS1 (carbamoyl-phosphate synthase 1; plus strand). Cytogenetic location: 2q34.
Variant type: Indel.
Coding change: c.2283_2287delinsA on transcript NM_001875.5 (MANE Select); coding-DNA positions 2283 to 2287, TTTTG replaced by A.
Protein change: p.Cys761_Glu763delinsTer.
Molecular consequence: nonsense. On other transcripts: non-coding transcript variant (2).
Genome position (GRCh38, 1-based): chr2:210,608,451-210,608,455, TTTTG replaced by A. VCF-style: chr2-210608451-TTTTG-A. GRCh37 (hg19) VCF-style: chr2-211473175-TTTTG-A.
Other names: c.2283_2287delinsA, p.Cys761_Glu763delinsTer (NM_001122633.3, NM_001369257.1); c.2316_2320delinsA, p.Cys772_Glu774delinsTer (NM_001369256.1).
Identifiers: ClinVar variation 928711 (VCV000928711.3), dbSNP rs1699000892, ClinGen allele CA1139655665.
Genomic context (GRCh38, chr2:210,608,451, plus strand): 5'-TGCCCTAGGAATCCCACTTCCAGAAATTAAGAACGTCGTATCCGGGAAGACATCAGCCTG[TTTTG>A]AACCTAGCCTGGATTACATGGTCACCAAGATTCCCCGCTGGGATCTTGACCGTTTTCATG-3'